The following is an entry in ClinVar:

ClinVar aggregate classification (germline): Benign/Likely benign. Review status: criteria provided, multiple submitters, no conflicts (2 of 4 stars). 5 submissions from 5 submitters: Benign (1); Likely benign (4). Last evaluated 2026-03-10.

Conditions:
Left ventricular noncompaction 8 (LVNC8). Identifiers: Orphanet 154, Orphanet 54260, MedGen C3809288, MONDO:0014152, OMIM 615373.

Allele frequency attached by ClinVar (database versions not stated): gnomAD exomes 0.00007; ExAC 0.00008; 1000 Genomes Project 30x 0.00016; ESP Exome Variant Server 0.00016; gnomAD 0.00020 and 0.00021; TOPMed 0.00023.
gnomAD v4.1: 98 of 1,613,062 alleles (0.0061%); highest among the groups gnomAD compares: African/African-American, 0.063%; no homozygotes.

Submissions (5):

Women's Health and Genetics/Laboratory Corporation of America, LabCorp
Classification: Benign. Last evaluated: 2026-03-10. Review status: criteria provided, single submitter. Criteria: LabCorp Variant Classification Summary - May 2015. Collection method: clinical testing. Allele origin: germline.

Labcorp Genetics (formerly Invitae), Labcorp
Classification: Likely benign for Left ventricular noncompaction 8. Last evaluated: 2025-09-05. Review status: criteria provided, single submitter. Criteria: Invitae Variant Classification Sherloc (09022015). Collection method: clinical testing. Allele origin: germline.

Blueprint Genetics
Classification: Likely benign. Last evaluated: 2024-11-17. Review status: criteria provided, single submitter. Criteria: ACMG Guidelines, 2015. Collection method: clinical testing. Allele origin: germline.

GeneDx
Classification: Likely benign. Last evaluated: 2017-10-23. Review status: criteria provided, single submitter. Criteria: GeneDx Variant Classification (06012015). Collection method: clinical testing. Allele origin: germline. Affected: yes.
Comment: This variant is considered likely benign or benign based on one or more of the following criteria: it is a conservative change, it occurs at a poorly conserved position in the protein, it is predicted to be benign by multiple in silico algorithms, and/or has population frequency not consistent with disease.

Laboratory for Molecular Medicine, Mass General Brigham Personalized Medicine
Classification: Likely benign. Last evaluated: 2016-06-10. Review status: criteria provided, single submitter. Criteria: LMM Criteria. Collection method: clinical testing. Allele origin: germline. Observed: 1 variant allele.
Comment: c.3109+9C>T in intron 13 of PRDM16: This variant is not expected to have clinica l significance because it is not located within the conserved splice consensus s equence. It has been identified in 5/9544 African chromosomes by the Exome Aggre gation Consortium (ExAC; dbSNP rs369808146).

NM_022114.4(PRDM16):c.3109+9C>T

Gene: PRDM16 (PR/SET domain 16; plus strand). Cytogenetic location: 1p36.32.
Variant type: single nucleotide variant.
Coding change: c.3109+9C>T on transcript NM_022114.4 (MANE Select); 9 bases into the intron after coding-DNA position 3109, C replaced by T.
Molecular consequence: intron variant.
Genome position (GRCh38, 1-based): chr1:3,425,759, C>T. VCF-style: chr1-3425759-C-T. GRCh37 (hg19) VCF-style: chr1-3342323-C-T.
Other names: c.3109+9C>T (NM_199454.3).
Identifiers: ClinVar variation 504757 (VCV000504757.14), dbSNP rs369808146, ClinGen allele CA544709.